The following is an entry in ClinVar:

ClinVar aggregate classification (germline): Benign (0 of 4 stars; one submission).

Conditions:
MYO7B-related disorder. Also called: MYO7B-related condition.

Allele frequency attached by ClinVar (database versions not stated): ESP Exome Variant Server 0.00025; TOPMed 0.00219; gnomAD 0.00239; ExAC 0.00402; 1000 Genomes Project 30x 0.01265; 1000 Genomes Project 0.01478.
gnomAD v4.1: 2,150 of 1,613,792 alleles (0.13%); highest among the groups gnomAD compares: East Asian, 3.7%; 74 homozygotes.

Submission:

PreventionGenetics, part of Exact Sciences
Classification: Benign for MYO7B-related condition. Last evaluated: 2019-02-26. Review status: no assertion criteria provided. Collection method: clinical testing. Allele origin: germline.
Comment: This variant is classified as benign based on ACMG/AMP sequence variant interpretation guidelines (Richards et al. 2015 PMID: 25741868, with internal and published modifications).

NM_001393586.1(MYO7B):c.735+7C>G

Gene: MYO7B (myosin VIIB; plus strand). Cytogenetic location: 2q14.3.
Variant type: single nucleotide variant.
Coding change: c.735+7C>G on transcript NM_001393586.1 (MANE Select); 7 bases into the intron after coding-DNA position 735, C replaced by G.
Molecular consequence: intron variant.
Genome position (GRCh38, 1-based): chr2:127,574,069, C>G. VCF-style: chr2-127574069-C-G. GRCh37 (hg19) VCF-style: chr2-128331644-C-G.
Other names: c.735+7C>G (NM_001080527.2).
Identifiers: ClinVar variation 3033363 (VCV003033363.2), dbSNP rs185066623, ClinGen allele CA1860520.